The following is an entry in ClinVar:

ClinVar aggregate classification (germline): Benign/Likely benign. Review status: criteria provided, multiple submitters, no conflicts (2 of 4 stars). 3 submissions from 3 submitters: Benign (1); Likely benign (1). 1 of the submissions does not count toward it. Last evaluated 2024-08-19.

Conditions:
EP300-related disorder. Also called: EP300-related disorders; EP300-related condition.
Rubinstein-Taybi syndrome due to EP300 haploinsufficiency. Also called: EP300-Related Rubinstein-Taybi Syndrome; RUBINSTEIN-TAYBI SYNDROME 2. Identifiers: Orphanet 353284, Orphanet 783, MedGen C3150941, MONDO:0013364, OMIM 613684.

Allele frequency attached by ClinVar (database versions not stated): TOPMed 0.00002; gnomAD 0.00003; ExAC 0.00004; gnomAD exomes 0.00010.
gnomAD v4.1: 156 of 1,612,984 alleles (0.0097%); highest among the groups gnomAD compares: Non-Finnish European, 0.013%; no homozygotes.

Submissions (3):

Labcorp Genetics (formerly Invitae), Labcorp
Classification: Benign for Rubinstein-Taybi syndrome due to EP300 haploinsufficiency. Last evaluated: 2024-08-19. Review status: criteria provided, single submitter. Criteria: Invitae Variant Classification Sherloc (09022015). Collection method: clinical testing. Allele origin: germline.

Blueprint Genetics
Classification: Likely benign. Last evaluated: 2024-04-23. Review status: criteria provided, single submitter. Criteria: ACMG Guidelines, 2015. Collection method: clinical testing. Allele origin: germline.

PreventionGenetics, part of Exact Sciences
Classification: Likely benign for EP300-related condition. Last evaluated: 2021-10-26. Review status: no assertion criteria provided. Collection method: clinical testing. Allele origin: germline. Not counted in ClinVar's aggregate classification.
Comment: This variant is classified as likely benign based on ACMG/AMP sequence variant interpretation guidelines (Richards et al. 2015 PMID: 25741868, with internal and published modifications).

NM_001429.4(EP300):c.4602C>T (p.Ser1534=)

Gene: EP300 (EP300 lysine acetyltransferase; plus strand). Cytogenetic location: 22q13.2.
Variant type: single nucleotide variant.
Coding change: c.4602C>T on transcript NM_001429.4 (MANE Select); coding-DNA position 4602, C replaced by T.
Protein change: p.Ser1534=; no amino-acid change (serine 1534 retained).
Molecular consequence: synonymous variant.
Genome position (GRCh38, 1-based): chr22:41,172,648, C>T. VCF-style: chr22-41172648-C-T. GRCh37 (hg19) VCF-style: chr22-41568652-C-T.
Other names: c.4602C>T (NM_001429.3); c.4524C>T, p.Ser1508= (NM_001362843.2).
Identifiers: ClinVar variation 2716799 (VCV002716799.6), dbSNP rs758523229, ClinGen allele CA10253460.